The following is an entry in ClinVar:

ClinVar aggregate classification (germline): Likely benign (1 of 4 stars; one submission).

Conditions:
Tuberous sclerosis 2 (TSC2). Identifiers: Orphanet 805, MedGen C1860707, MONDO:0013199, OMIM 613254.

Submission:

Myriad Genetics, Inc.
Classification: Likely benign for Tuberous sclerosis 2. Last evaluated: 2025-05-14. Review status: criteria provided, single submitter. Criteria: Myriad Autosomal Dominant, Autosomal Recessive and X-Linked Classification Criteria (2023). Collection method: clinical testing. Allele origin: unknown.
Comment: This variant is considered likely benign. This variant is intronic and is not expected to impact mRNA splicing.

NM_000548.5(TSC2):c.1444-4G>A

Gene: TSC2 (TSC complex subunit 2; plus strand). Cytogenetic location: 16p13.3.
Variant type: single nucleotide variant.
Coding change: c.1444-4G>A on transcript NM_000548.5 (MANE Select); 4 bases into the intron before coding-DNA position 1444, G replaced by A.
Molecular consequence: intron variant.
Genome position (GRCh38, 1-based): chr16:2,064,268, G>A. VCF-style: chr16-2064268-G-A. GRCh37 (hg19) VCF-style: chr16-2114269-G-A.
Other names: c.100-4G>A (NM_001406693.1, NM_001406689.1, NM_001406690.1 and 6 more transcripts); c.1534-4G>A (NM_001406667.1, NM_001406668.1); c.844-4G>A (NM_001406680.1, NM_001406683.1, NM_001406687.1 and 6 more transcripts); c.-159-4G>A (NM_001406698.1); c.1444-4G>A (NM_001114382.3, NM_001406663.1, NM_001406664.1 and 6 more transcripts); c.1432-4G>A (NM_001406671.1, NM_001406673.1); c.982-4G>A (NM_001406681.1); c.1333-4G>A (NM_001406670.1, NM_001318827.2, NM_001406678.1); and 3 more.
Identifiers: ClinVar variation 4071021 (VCV004071021.1).